The following is an entry in ClinVar:

NM_001364857.2(ADGRB2):c.2114T>C (p.Val705Ala)

Gene: ADGRB2 (adhesion G protein-coupled receptor B2; minus strand). Cytogenetic location: 1p35.2.
Variant type: single nucleotide variant.
Coding change: c.2114T>C on transcript NM_001364857.2 (MANE Select); coding-DNA position 2114, T replaced by C.
Protein change: p.Val705Ala; replaces valine 705 with alanine.
Molecular consequence: missense variant.
Genome position (GRCh38, 1-based): chr1:31,739,979, A>G on the plus strand (T>C on the coding strand, the complement: ADGRB2 is on the minus strand). VCF-style: chr1-31739979-A-G. GRCh37 (hg19) VCF-style: chr1-32205580-A-G.
Other names: c.2114T>C, p.Val705Ala (NM_001294335.2, NM_001294336.2, NM_001703.2); short protein forms V705A.
Identifiers: ClinVar variation 2772977 (VCV002772977.3), dbSNP rs2523932178, ClinGen allele CA339608298.

ClinVar aggregate classification (germline): Uncertain significance (1 of 4 stars; one submission).

Submission:

Labcorp Genetics (formerly Invitae), Labcorp
Classification: Uncertain significance. Last evaluated: 2024-02-14. Review status: criteria provided, single submitter. Criteria: Invitae Variant Classification Sherloc (09022015). Collection method: clinical testing. Allele origin: germline.
Comment: This sequence change replaces valine, which is neutral and non-polar, with alanine, which is neutral and non-polar, at codon 705 of the ADGRB2 protein (p.Val705Ala). This variant is not present in population databases (gnomAD no frequency). This variant has not been reported in the literature in individuals affected with ADGRB2-related conditions. An algorithm developed to predict the effect of missense changes on protein structure and function (PolyPhen-2) suggests that this variant is likely to be disruptive. In summary, the available evidence is currently insufficient to determine the role of this variant in disease. Therefore, it has been classified as a Variant of Uncertain Significance.